The following is an entry in ClinVar:

NM_001130438.3(SPTAN1):c.6027T>G (p.Tyr2009Ter)

Gene: SPTAN1 (spectrin alpha, non-erythrocytic 1; plus strand). Cytogenetic location: 9q34.11.
Variant type: single nucleotide variant.
Coding change: c.6027T>G on transcript NM_001130438.3 (MANE Select); coding-DNA position 6027, T replaced by G.
Protein change: p.Tyr2009Ter; replaces tyrosine 2009 with a stop codon.
Molecular consequence: nonsense.
Genome position (GRCh38, 1-based): chr9:128,625,137, T>G. VCF-style: chr9-128625137-T-G. GRCh37 (hg19) VCF-style: chr9-131387416-T-G.
Other names: c.5952T>G, p.Tyr1984Ter (NM_001195532.2); c.6027T>G, p.Tyr2009Ter (NM_001363759.2); c.5967T>G, p.Tyr1989Ter (NM_001363765.2); c.6012T>G, p.Tyr2004Ter (NM_003127.4); short protein forms Y2009*, Y1984*, Y1989*, Y2004*.
Identifiers: ClinVar variation 489206 (VCV000489206.2), dbSNP rs1554766334, ClinGen allele CA375084995.

ClinVar aggregate classification (germline): Uncertain significance (1 of 4 stars; one submission).

Submission:

GeneDx
Classification: Uncertain significance. Last evaluated: 2017-12-07. Review status: criteria provided, single submitter. Criteria: GeneDx Variant Classification (06012015). Collection method: clinical testing. Allele origin: germline. Affected: yes.
Comment: A variant of uncertain significance has been identified in the SPTAN1 gene. The Y2009X variant has not been published as a pathogenic variant, nor has it been reported as a benign variant to ourknowledge. The Y2009X nonsense variant in the SPTAN1 gene is predicted to cause loss of normalprotein function either through protein truncation or nonsense-mediated mRNA decay. This variant is not observed in large population cohorts (Lek et al., 2016). However, previously reported pathogenic variants in SPTAN1 include in-frame deletions or duplications located within the last four spectrin repeats of the protein, which are essential for dimerization (Saitsu et al., 2010), and the Y2009 residue is outside this region. Therefore, based on the currently available information, it is unclear whether this variant is a pathogenic variant or a rare benign variant.